The following is an entry in ClinVar:

NM_001010867.4(IBA57):c.326A>G (p.Asp109Gly)

Gene: IBA57 (iron-sulfur cluster assembly factor IBA57; plus strand). Cytogenetic location: 1q42.13.
Variant type: single nucleotide variant.
Coding change: c.326A>G on transcript NM_001010867.4 (MANE Select); coding-DNA position 326, A replaced by G.
Protein change: p.Asp109Gly; replaces aspartic acid 109 with glycine.
Molecular consequence: missense variant.
Genome position (GRCh38, 1-based): chr1:228,166,142, A>G. VCF-style: chr1-228166142-A-G. GRCh37 (hg19) VCF-style: chr1-228353843-A-G.
Other names: short protein forms D109G.
Identifiers: ClinVar variation 1963040 (VCV001963040.5), dbSNP rs746086631, ClinGen allele CA1431105.

ClinVar aggregate classification (germline): Uncertain significance (1 of 4 stars; one submission).

Conditions:
Hereditary spastic paraplegia 74. Also called: Spastic paraplegia 74, autosomal recessive. Identifiers: Orphanet 468661, MedGen C5568837, MONDO:0014644, OMIM 616451.
Multiple mitochondrial dysfunctions syndrome 3 (MMDS3). Identifiers: Orphanet 363424, MedGen C3809165, MONDO:0014132, OMIM 615330.

Allele frequency attached by ClinVar (database versions not stated): gnomAD exomes 0.00001.
gnomAD v4.1: 4 of 1,519,352 alleles (0.00026%); highest among the groups gnomAD compares: Non-Finnish European, 0.00035%; no homozygotes.

Submission:

Labcorp Genetics (formerly Invitae), Labcorp
Classification: Uncertain significance for Multiple mitochondrial dysfunctions syndrome 3; Hereditary spastic paraplegia 74. Last evaluated: 2023-07-17. Review status: criteria provided, single submitter. Criteria: Invitae Variant Classification Sherloc (09022015). Collection method: clinical testing. Allele origin: germline.
Comment: ClinVar contains an entry for this variant (Variation ID: 1963040). In summary, the available evidence is currently insufficient to determine the role of this variant in disease. Therefore, it has been classified as a Variant of Uncertain Significance. Advanced modeling of protein sequence and biophysical properties (such as structural, functional, and spatial information, amino acid conservation, physicochemical variation, residue mobility, and thermodynamic stability) performed at Invitae indicates that this missense variant is expected to disrupt IBA57 protein function. This variant has not been reported in the literature in individuals affected with IBA57-related conditions. This variant is not present in population databases (gnomAD no frequency). This sequence change replaces aspartic acid, which is acidic and polar, with glycine, which is neutral and non-polar, at codon 109 of the IBA57 protein (p.Asp109Gly).